The following is an entry in ClinVar:

NM_001365951.3(KIF1B):c.5301C>A (p.Thr1767=)

Gene: KIF1B (kinesin family member 1B; plus strand). Cytogenetic location: 1p36.22.
Variant type: single nucleotide variant.
Coding change: c.5301C>A on transcript NM_001365951.3 (MANE Select); coding-DNA position 5301, C replaced by A.
Protein change: p.Thr1767=; no amino-acid change (threonine 1767 retained).
Molecular consequence: synonymous variant.
Genome position (GRCh38, 1-based): chr1:10,375,266, C>A. VCF-style: chr1-10375266-C-A. GRCh37 (hg19) VCF-style: chr1-10435324-C-A.
Other names: p.Thr1721=; c.5301C>A, p.Thr1767= (NM_001365952.1); c.5163C>A, p.Thr1721= (NM_015074.3).
Identifiers: ClinVar variation 129401 (VCV000129401.38), dbSNP rs11121552, ClinGen allele CA153392.

ClinVar aggregate classification (germline): Benign. Review status: criteria provided, multiple submitters, no conflicts (2 of 4 stars). 15 submissions from 14 submitters: Benign (12). 3 of the submissions do not count toward it. Last evaluated 2026-02-04.

Conditions:
Charcot-Marie-Tooth disease. Also called: Charcot-Marie-Tooth Hereditary Neuropathy; Charcot-Marie-Tooth Neuropathy. Identifiers: Orphanet 166, MedGen C0007959, MONDO:0015626.
Charcot-Marie-Tooth disease type 2. Also called: Charcot-Marie-Tooth type 2. Identifiers: Orphanet 64746, MedGen C0270914, MONDO:0018993.
Neuroblastoma (NB). Identifiers: Orphanet 635, MedGen C0027819, MeSH D009447, MONDO:0005072, HP:0003006.
Charcot-Marie-Tooth disease type 2A1. Also called: HEREDITARY MOTOR AND SENSORY NEUROPATHY IIA1; CHARCOT-MARIE-TOOTH DISEASE, AXONAL, TYPE 2A1; CHARCOT-MARIE-TOOTH DISEASE, AXONAL, AUTOSOMAL DOMINANT, TYPE 2A1; CHARCOT-MARIE-TOOTH DISEASE, NEURONAL, TYPE 2A1; CHARCOT-MARIE-TOOTH NEUROPATHY, TYPE 2A1. Identifiers: Orphanet 99946, MedGen C1861678, MONDO:0007308, OMIM 118210.
Pheochromocytoma. Also called: MAX-Related Hereditary Paraganglioma-Pheochromocytoma Syndrome. Identifiers: Orphanet 29072, MedGen C0031511, MONDO:0008233, OMIM 171300, HP:0002666.

Allele frequency attached by ClinVar (database versions not stated): ESP Exome Variant Server 0.23051; 1000 Genomes Project 0.23163; 1000 Genomes Project 30x 0.23267; gnomAD 0.23676 and 0.23876; TOPMed 0.23718; ExAC 0.27166; gnomAD exomes 0.27953.
gnomAD v4.1: 462,981 of 1,611,190 alleles (29%); highest among the groups gnomAD compares: Admixed American, 33%; 69,030 homozygotes.

Submissions (15):

Labcorp Genetics (formerly Invitae), Labcorp
Classification: Benign for Charcot-Marie-Tooth disease type 2. Last evaluated: 2026-02-04. Review status: criteria provided, single submitter. Criteria: Invitae Variant Classification Sherloc (09022015). Collection method: clinical testing. Allele origin: germline.

Blueprint Genetics
Classification: Benign. Last evaluated: 2024-11-26. Review status: criteria provided, single submitter. Criteria: ACMG Guidelines, 2015. Collection method: clinical testing. Allele origin: germline.

Genome-Nilou Lab
Classification: Benign for Charcot-Marie-Tooth disease type 2A1. Last evaluated: 2021-08-19. Review status: criteria provided, single submitter. Criteria: ACMG Guidelines, 2015. Collection method: clinical testing. Allele origin: germline. Affected: no.

Genome-Nilou Lab
Classification: Benign for Pheochromocytoma. Last evaluated: 2021-08-19. Review status: criteria provided, single submitter. Criteria: ACMG Guidelines, 2015. Collection method: clinical testing. Allele origin: germline. Affected: no.

Ambry Genetics
Classification: Benign. Last evaluated: 2020-07-28. Review status: criteria provided, single submitter. Criteria: Ambry Variant Classification Scheme 2023. Collection method: clinical testing. Allele origin: germline.

Illumina Laboratory Services, Illumina
Classification: Benign for Neuroblastoma. Last evaluated: 2018-01-13. Review status: criteria provided, single submitter. Criteria: ICSL Variant Classification Criteria 13 December 2019. Collection method: clinical testing. Allele origin: germline.
Comment: This variant was observed in the ICSL laboratory as part of a predisposition screen in an ostensibly healthy population. It had not been previously curated by ICSL or reported in the Human Gene Mutation Database (HGMD: prior to June 1st, 2018), and was therefore a candidate for classification through an automated scoring system. Utilizing variant allele frequency, disease prevalence and penetrance estimates, and inheritance mode, an automated score was calculated to assess if this variant is too frequent to cause the disease. Based on the score and internal cut-off values, a variant classified as benign is not then subjected to further curation. The score for this variant resulted in a classification of benign for this disease.

Mayo Clinic Laboratories, Mayo Clinic
Classification: Benign. Last evaluated: 2015-08-27. Review status: criteria provided, single submitter. Criteria: ACMG Guidelines, 2015. Collection method: clinical testing. Allele origin: germline. Observed: 464 variant alleles.

GeneDx
Classification: Benign. Last evaluated: 2015-03-03. Review status: criteria provided, single submitter. Criteria: GeneDx Variant Classification Process June 2021. Collection method: clinical testing. Allele origin: germline. Affected: yes.

Laboratory for Molecular Medicine, Mass General Brigham Personalized Medicine
Classification: Benign. Last evaluated: 2013-05-20. Review status: criteria provided, single submitter. Criteria: LMM Criteria. Collection method: clinical testing. Allele origin: germline. Observed: 1 variant allele.
Comment: The Thr1721Thr variant in KIF1B: This variant is not expected to have clinical s ignificance because it does not alter an amino acid residue, is not located with in the splice consensus sequence, has been identified in 30% (2585/8600) of Euro pean American chromosomes and 9% (413/4406) of African American chromosomes by t he NHLBI Exome Sequencing Project (dbSNP rs11 121552).

Breakthrough Genomics
Classification: Benign. Review status: criteria provided, single submitter. Criteria: ACMG Guidelines, 2015. Collection method: not provided. Allele origin: germline. Inheritance: Autosomal dominant inheritance. Affected: yes.

Molecular Genetics Laboratory, London Health Sciences Centre
Classification: Benign for Charcot-Marie-Tooth disease. Review status: criteria provided, single submitter. Criteria: ACMG Guidelines, 2015. Collection method: clinical testing. Allele origin: germline. Affected: yes.

PreventionGenetics, part of Exact Sciences
Classification: Benign. Review status: criteria provided, single submitter. Criteria: ACMG Guidelines, 2015. Collection method: clinical testing. Allele origin: germline.

Clinical Genetics, Academic Medical Center
Classification: Benign. Review status: no assertion criteria provided. Collection method: clinical testing. Allele origin: germline. Affected: yes. Study: VKGL Data-share Consensus. Not counted in ClinVar's aggregate classification.

Diagnostic Laboratory, Department of Genetics, University Medical Center Groningen
Classification: Benign. Review status: no assertion criteria provided. Collection method: clinical testing. Allele origin: germline. Affected: yes. Study: VKGL Data-share Consensus. Not counted in ClinVar's aggregate classification.

Genetic Services Laboratory, University of Chicago
Classification: Likely benign for AllHighlyPenetrant. Review status: no assertion criteria provided. Collection method: clinical testing. Allele origin: germline. Not counted in ClinVar's aggregate classification.
Comment: Likely benign based on allele frequency in 1000 Genomes Project or ESP global frequency and its presence in a patient with a rare or unrelated disease phenotype. NOT Sanger confirmed.